The following is an entry in ClinVar:

ClinVar aggregate classification (germline): Uncertain significance (1 of 4 stars; one submission).

Allele frequency attached by ClinVar (database versions not stated): gnomAD exomes below 0.00001; TOPMed below 0.00001; gnomAD 0.00001.
gnomAD v4.1: 3 of 1,196,335 alleles (0.00025%); highest among the groups gnomAD compares: Admixed American, 0.0045%; no homozygotes.

Submission:

Women's Health and Genetics/Laboratory Corporation of America, LabCorp
Classification: Uncertain significance. Last evaluated: 2023-08-02. Review status: criteria provided, single submitter. Criteria: LabCorp Variant Classification Summary - May 2015. Collection method: clinical testing. Allele origin: germline.
Comment: Variant summary: PQBP1 c.641+13C>T alters a nucleotide located close to a canonical splice site and therefore could affect mRNA splicing, leading to a significantly altered protein sequence. 4/4 computational tools predict no significant impact on normal splicing. However, these predictions have yet to be confirmed by functional studies. The variant allele was found at a frequency of 1.3e-05 in 157574 control chromosomes (gnomAD). The available data on variant occurrences in the general population are insufficient to allow any conclusion about variant significance. To our knowledge, no occurrence of c.641+13C>T in individuals affected with Renpenning syndrome and no experimental evidence demonstrating its impact on protein function have been reported. No submitters have cited clinical-significance assessments for this variant to ClinVar after 2014. Based on the evidence outlined above, the variant was classified as uncertain significance.

NM_001032382.2(PQBP1):c.641+13C>T

Gene: PQBP1 (polyglutamine binding protein 1; plus strand). Cytogenetic location: Xp11.23.
Variant type: single nucleotide variant.
Coding change: c.641+13C>T on transcript NM_001032382.2 (MANE Select); 13 bases into the intron after coding-DNA position 641, C replaced by T.
Molecular consequence: intron variant.
Genome position (GRCh38, 1-based): chrX:48,902,808, C>T. VCF-style: chrX-48902808-C-T. GRCh37 (hg19) VCF-style: chrX-48760085-C-T.
Other names: c.641+13C>T (NM_001032383.2, NM_001032381.2, NM_005710.2 and 1 more transcripts); c.356+13C>T (NM_144495.3); c.638+13C>T (NM_001167989.2); c.617+13C>T (NM_001167990.2); c.341+13C>T (NM_001167992.1).
Identifiers: ClinVar variation 2581219 (VCV002581219.1), dbSNP rs1250738865, ClinGen allele CA641902230.